The following is an entry in ClinVar:

NM_002048.3(GAS1):c.471C>G (p.Gly157=)

Gene: GAS1 (growth arrest specific 1; minus strand). Cytogenetic location: 9q21.33.
Variant type: single nucleotide variant.
Coding change: c.471C>G on transcript NM_002048.3 (MANE Select); coding-DNA position 471, C replaced by G.
Protein change: p.Gly157=; no amino-acid change (glycine 157 retained).
Molecular consequence: synonymous variant.
Genome position (GRCh38, 1-based): chr9:86,946,309, G>C on the plus strand (C>G on the coding strand, the complement: GAS1 is on the minus strand). VCF-style: chr9-86946309-G-C. GRCh37 (hg19) VCF-style: chr9-89561224-G-C.
Identifiers: ClinVar variation 3054316 (VCV003054316.2), dbSNP rs917196227, ClinGen allele CA465984400.

ClinVar aggregate classification (germline): Likely benign (0 of 4 stars; one submission).

Conditions:
GAS1-related disorder. Also called: GAS1-related condition.

Submission:

PreventionGenetics, part of Exact Sciences
Classification: Likely benign for GAS1-related condition. Last evaluated: 2020-12-09. Review status: no assertion criteria provided. Collection method: clinical testing. Allele origin: germline.
Comment: This variant is classified as likely benign based on ACMG/AMP sequence variant interpretation guidelines (Richards et al. 2015 PMID: 25741868, with internal and published modifications).